The following is an entry in ClinVar:

NM_005896.4(IDH1):c.798C>G (p.Ile266Met)

Gene: IDH1 (isocitrate dehydrogenase (NADP(+)) 1; minus strand). Cytogenetic location: 2q34.
Variant type: single nucleotide variant.
Coding change: c.798C>G on transcript NM_005896.4 (MANE Select); coding-DNA position 798, C replaced by G.
Protein change: p.Ile266Met; replaces isoleucine 266 with methionine.
Molecular consequence: missense variant.
Genome position (GRCh38, 1-based): chr2:208,242,046, G>C on the plus strand (C>G on the coding strand, the complement: IDH1 is on the minus strand). VCF-style: chr2-208242046-G-C. GRCh37 (hg19) VCF-style: chr2-209106770-G-C.
Other names: c.798C>G, p.Ile266Met (NM_001282386.1, NM_001282387.1); short protein forms I266M.
Identifiers: ClinVar variation 2567507 (VCV002567507.2), dbSNP rs1309988275, ClinGen allele CA350096324.

ClinVar aggregate classification (germline): Uncertain significance (1 of 4 stars; one submission).

gnomAD v4.1: 3 of 1,613,202 alleles (0.00019%); highest among the groups gnomAD compares: Non-Finnish European, 0.00025%; no homozygotes.

Submission:

Ambry Genetics
Classification: Uncertain significance. Last evaluated: 2023-05-14. Review status: criteria provided, single submitter. Criteria: Ambry Variant Classification Scheme 2023. Collection method: clinical testing. Allele origin: germline.
Comment: The p.I266M variant (also known as c.798C>G), located in coding exon 5 of the IDH1 gene, results from a C to G substitution at nucleotide position 798. The isoleucine at codon 266 is replaced by methionine, an amino acid with highly similar properties. This amino acid position is conserved. In addition, the in silico prediction for this alteration is inconclusive. Since supporting evidence is limited at this time, the clinical significance of this alteration remains unclear.